The following is an entry in ClinVar:

NM_001135649.3(FOXI3):c.917T>C (p.Leu306Pro)

Gene: FOXI3 (forkhead box I3; minus strand). Cytogenetic location: 2p11.2.
Variant type: single nucleotide variant.
Coding change: c.917T>C on transcript NM_001135649.3 (MANE Select); coding-DNA position 917, T replaced by C.
Protein change: p.Leu306Pro; replaces leucine 306 with proline.
Molecular consequence: missense variant.
Genome position (GRCh38, 1-based): chr2:88,448,553, A>G on the plus strand (T>C on the coding strand, the complement: FOXI3 is on the minus strand). VCF-style: chr2-88448553-A-G. GRCh37 (hg19) VCF-style: chr2-88748072-A-G.
Other names: short protein forms L306P.
Identifiers: ClinVar variation 3689272 (VCV003689272.2).
Genomic context (GRCh38, chr2:88,448,553, plus strand): 5'-CTGCTGACACTCAAGGAGCTGAGGCTGCTGAAGAAAGTGTTGAGACAAGGGGTGGAGGTG[A>G]GCATGGGTCCTCCAGGAGATGAGGCAGTACTCTTGGTGCCCTCCGGAGGCTCTGGGGAGT-3'
Protein context (NP_001129121.1, residues 296-316): STASSPGGPM[Leu306Pro]TSTPCLNTFF

ClinVar aggregate classification (germline): Uncertain significance (1 of 4 stars; one submission).

Submission:

Labcorp Genetics (formerly Invitae), Labcorp
Classification: Uncertain significance. Last evaluated: 2024-06-03. Review status: criteria provided, single submitter. Criteria: Invitae Variant Classification Sherloc (09022015). Collection method: clinical testing. Allele origin: germline.
Comment: This sequence change replaces leucine, which is neutral and non-polar, with proline, which is neutral and non-polar, at codon 306 of the FOXI3 protein (p.Leu306Pro). This variant is not present in population databases (gnomAD no frequency). This variant has not been reported in the literature in individuals affected with FOXI3-related conditions. Experimental studies and prediction algorithms are not available or were not evaluated, and the functional significance of this variant is currently unknown. In summary, the available evidence is currently insufficient to determine the role of this variant in disease. Therefore, it has been classified as a Variant of Uncertain Significance.